The following is an entry in ClinVar:

ClinVar aggregate classification (germline): Uncertain significance (1 of 4 stars; one submission).

Conditions:
Epileptic encephalopathy. Identifiers: MedGen C0543888, HP:0200134.

Allele frequency attached by ClinVar (database versions not stated): gnomAD 0.00001.

Submission:

Labcorp Genetics (formerly Invitae), Labcorp
Classification: Uncertain significance for Epileptic encephalopathy. Last evaluated: 2022-10-28. Review status: criteria provided, single submitter. Criteria: Invitae Variant Classification Sherloc (09022015). Collection method: clinical testing. Allele origin: germline.
Comment: In summary, the available evidence is currently insufficient to determine the role of this variant in disease. Therefore, it has been classified as a Variant of Uncertain Significance. Algorithms developed to predict the effect of missense changes on protein structure and function (SIFT, PolyPhen-2, Align-GVGD) all suggest that this variant is likely to be tolerated. ClinVar contains an entry for this variant (Variation ID: 1511896). This variant has not been reported in the literature in individuals affected with FASN-related conditions. This variant is not present in population databases (gnomAD no frequency). This sequence change replaces threonine, which is neutral and polar, with alanine, which is neutral and non-polar, at codon 1087 of the FASN protein (p.Thr1087Ala).

NM_004104.5(FASN):c.3259A>G (p.Thr1087Ala)

Gene: FASN (fatty acid synthase; minus strand). Cytogenetic location: 17q25.3.
Variant type: single nucleotide variant.
Coding change: c.3259A>G on transcript NM_004104.5 (MANE Select); coding-DNA position 3259, A replaced by G.
Protein change: p.Thr1087Ala; replaces threonine 1087 with alanine.
Molecular consequence: missense variant.
Genome position (GRCh38, 1-based): chr17:82,087,218, T>C on the plus strand (A>G on the coding strand, the complement: FASN is on the minus strand). VCF-style: chr17-82087218-T-C. GRCh37 (hg19) VCF-style: chr17-80045094-T-C.
Other names: short protein forms T1087A.
Identifiers: ClinVar variation 1511896 (VCV001511896.6), dbSNP rs1348309695, ClinGen allele CA401553394.
Genomic context (GRCh38, chr17:82,087,218, plus strand): 5'-GCTGCCGCCGCGGGGCCGACTCAGTGTGGAGCCCGGAGATGTGGACGCCTCCGGCCACTG[T>C]GACCCTCAGCCACCTGCTCACCACCACGTCAGCCACTGTGGGGACAGGCTGGGTGAGTGC-3'
Protein context (NP_004095.4, residues 1077-1097): DVVVSRWLRV[Thr1087Ala]VAGGVHISGL